The following is an entry in ClinVar:

NM_022081.6(HPS4):c.1942G>C (p.Glu648Gln)

Gene: HPS4 (HPS4 biogenesis of lysosomal organelles complex 3 subunit 2; minus strand). Cytogenetic location: 22q12.1.
Variant type: single nucleotide variant.
Coding change: c.1942G>C on transcript NM_022081.6 (MANE Select); coding-DNA position 1942, G replaced by C.
Protein change: p.Glu648Gln; replaces glutamic acid 648 with glutamine.
Molecular consequence: missense variant. On other transcripts: non-coding transcript variant (8), intron variant (2).
Genome position (GRCh38, 1-based): chr22:26,457,872, C>G on the plus strand (G>C on the coding strand, the complement: HPS4 is on the minus strand). VCF-style: chr22-26457872-C-G. GRCh37 (hg19) VCF-style: chr22-26853838-C-G.
Other names: c.1942G>C, p.Glu648Gln (NM_001349896.1, NM_001349898.2, NM_001349899.2 and 3 more transcripts); c.1996G>C, p.Glu666Gln (NM_001349900.2, NM_001349901.1); c.1927G>C, p.Glu643Gln (NM_152841.2); c.1714-4468G>C (NM_001349902.1, NM_001349903.2); short protein forms E643Q, E666Q, E648Q.
Identifiers: ClinVar variation 1998331 (VCV001998331.4), dbSNP rs2518036621, ClinGen allele CA411023750.
Genomic context (GRCh38, chr22:26,457,872, plus strand): 5'-AGCAGGACCGTGGAGAGTAGGTTGGGGAGCGACTCAGGGAGGCTCACCTGACAGTCATTT[C>G]ATAAAGCGCGGGCAGCTGGGCAAATTCGCTATGCATCAGGCTGACGGCCTGGAGGAAGCG-3'
Protein context (NP_071364.4, residues 638-658): SEFAQLPALY[Glu648Gln]MTVRNASTAV

ClinVar aggregate classification (germline): Uncertain significance (1 of 4 stars; one submission).

Allele frequency attached by ClinVar (database versions not stated): gnomAD exomes below 0.00001.
gnomAD v4.1: 5 of 1,614,138 alleles (0.00031%); highest among the groups gnomAD compares: Non-Finnish European, 0.00034%; no homozygotes.

Submission:

Labcorp Genetics (formerly Invitae), Labcorp
Classification: Uncertain significance. Last evaluated: 2022-05-24. Review status: criteria provided, single submitter. Criteria: Invitae Variant Classification Sherloc (09022015). Collection method: clinical testing. Allele origin: germline.
Comment: In summary, the available evidence is currently insufficient to determine the role of this variant in disease. Therefore, it has been classified as a Variant of Uncertain Significance. Algorithms developed to predict the effect of missense changes on protein structure and function are either unavailable or do not agree on the potential impact of this missense change (SIFT: "Deleterious"; PolyPhen-2: "Possibly Damaging"; Align-GVGD: "Class C0"). This variant has not been reported in the literature in individuals affected with HPS4-related conditions. This variant is not present in population databases (gnomAD no frequency). This sequence change replaces glutamic acid, which is acidic and polar, with glutamine, which is neutral and polar, at codon 648 of the HPS4 protein (p.Glu648Gln).